The following is an entry in ClinVar:

ClinVar aggregate classification (germline): Uncertain significance. Review status: criteria provided, single submitter (1 of 4 stars). 2 submissions from 2 submitters: Uncertain significance (1). 1 of the submissions does not count toward it. Last evaluated 2021-07-14.

Conditions:
Odonto-onycho-dermal dysplasia. Identifiers: Orphanet 2721, MedGen C0796093, MONDO:0009773, OMIM 257980.
Tooth agenesis, selective, 4 (STHAG4). Also called: SUCCEDANEOUS TEETH, AGENESIS OF; TOOTH AGENESIS, SELECTIVE, 4, WITH OR WITHOUT ECTODERMAL DYSPLASIA; LATERAL INCISORS, ABSENCE OF; LATERAL INCISORS, PEGGED OR MISSING. Identifiers: Orphanet 99798, MedGen C1835492, MONDO:0007881, OMIM 150400. Disease mechanism: loss of function.
Schöpf-Schulz-Passarge syndrome. Also called: ECCRINE TUMORS WITH ECTODERMAL DYSPLASIA; KERATOSIS PALMOPLANTARIS WITH CYSTIC EYELIDS, HYPODONTIA, AND HYPOTRICHOSIS; SchC6pf-Schulz-Passarge syndrome. Identifiers: Orphanet 50944, MedGen C1857069, MONDO:0009145, OMIM 224750.

Allele frequency attached by ClinVar (database versions not stated): gnomAD exomes 0.00001; ExAC 0.00002.

Submissions (2):

Labcorp Genetics (formerly Invitae), Labcorp
Classification: Uncertain significance for Tooth agenesis, selective, 4; Odonto-onycho-dermal dysplasia. Last evaluated: 2021-07-14. Review status: criteria provided, single submitter. Criteria: Invitae Variant Classification Sherloc (09022015). Collection method: clinical testing. Allele origin: germline.
Comment: This sequence change replaces lysine with asparagine at codon 173 of the WNT10A protein (p.Lys173Asn). The lysine residue is highly conserved and there is a moderate physicochemical difference between lysine and asparagine. This variant is present in population databases (rs758023820, ExAC 0.02%). This missense change has been observed in individual(s) with clinical features of autosomal recessive ectodermal dysplasia and autosomal dominant tooth agenesis (PMID: 24043634; Invitae). Algorithms developed to predict the effect of missense changes on protein structure and function are either unavailable or do not agree on the potential impact of this missense change (SIFT: "Tolerated"; PolyPhen-2: "Probably Damaging"; Align-GVGD: "Class C0"). In summary, the available evidence is currently insufficient to determine the role of this variant in disease. Therefore, it has been classified as a Variant of Uncertain Significance.

Natera, Inc.
Classification: Uncertain significance for Schopf-Schulz-Passarge syndrome. Last evaluated: 2020-08-25. Review status: no assertion criteria provided. Collection method: clinical testing. Allele origin: germline. Not counted in ClinVar's aggregate classification.

Literature cited by the submitters: PubMed 24043634 (cited by Labcorp Genetics (formerly Invitae), Labcorp).

NM_025216.3(WNT10A):c.519G>T (p.Lys173Asn)

Gene: WNT10A (Wnt family member 10A; plus strand). Cytogenetic location: 2q35.
Variant type: single nucleotide variant.
Coding change: c.519G>T on transcript NM_025216.3 (MANE Select); coding-DNA position 519, G replaced by T.
Protein change: p.Lys173Asn; replaces lysine 173 with asparagine.
Molecular consequence: missense variant.
Genome position (GRCh38, 1-based): chr2:218,890,126, G>T. VCF-style: chr2-218890126-G-T. GRCh37 (hg19) VCF-style: chr2-219754848-G-T.
Other names: short protein forms K173N.
Identifiers: ClinVar variation 1042413 (VCV001042413.3), dbSNP rs758023820, ClinGen allele CA2113959.